The following is an entry in ClinVar:

NM_001009944.3(PKD1):c.12205A>T (p.Thr4069Ser)

Gene: PKD1 (polycystin 1, transient receptor potential channel interacting; minus strand). Cytogenetic location: 16p13.3.
Variant type: single nucleotide variant.
Coding change: c.12205A>T on transcript NM_001009944.3 (MANE Select); coding-DNA position 12205, A replaced by T.
Protein change: p.Thr4069Ser; replaces threonine 4069 with serine.
Molecular consequence: missense variant.
Genome position (GRCh38, 1-based): chr16:2,090,524, T>A on the plus strand (A>T on the coding strand, the complement: PKD1 is on the minus strand). VCF-style: chr16-2090524-T-A. GRCh37 (hg19) VCF-style: chr16-2140525-T-A.
Other names: c.12202A>T, p.Thr4068Ser (NM_000296.4); short protein forms T4068S, T4069S.
Identifiers: ClinVar variation 4137409 (VCV004137409.2).

ClinVar aggregate classification (germline): Uncertain significance. Review status: criteria provided, multiple submitters, no conflicts (2 of 4 stars). 2 submissions from 2 submitters: Uncertain significance (2). Last evaluated 2026-05-26.

Conditions:
PKD1-related disorder. Also called: PKD1-related condition.
Inborn genetic diseases. Identifiers: MedGen C0950123, MeSH D030342.

gnomAD v4.1: 74 of 1,610,460 alleles (0.0046%); highest among the groups gnomAD compares: Admixed American, 0.0067%; no homozygotes.

Submissions (2):

PreventionGenetics, part of Exact Sciences
Classification: Uncertain significance for PKD1-related condition. Last evaluated: 2026-05-26. Review status: criteria provided, single submitter. Criteria: ACMG Guidelines, 2015. Collection method: clinical testing. Allele origin: germline.
Comment: The PKD1 c.12205A>T variant is predicted to result in the amino acid substitution p.Thr4069Ser. To our knowledge, this variant has not been reported in the literature. This variant is reported in 0.012% of alleles in individuals of Latino descent in gnomAD. The p.Thr4069 residue is weakly conserved. The REVEL (rare exome variant ensemble learner) program predicts this variant is benign at a "very strong" level (Ioannidis et al. 2016. PubMed ID: 27666373; Bergquist et al. 2024. PubMed ID: 39345488). Although we suspect that this variant may be benign, at this time, the clinical significance of this variant is uncertain due to the absence of conclusive functional and genetic evidence.

Ambry Genetics
Classification: Uncertain significance for Inborn genetic diseases. Last evaluated: 2025-08-04. Review status: criteria provided, single submitter. Criteria: Ambry Variant Classification Scheme 2023. Collection method: clinical testing. Allele origin: germline.